The following is an entry in ClinVar:

NM_003803.4(MYOM1):c.4468G>A (p.Val1490Ile)

Gene: MYOM1 (myomesin 1; minus strand). Cytogenetic location: 18p11.31.
Variant type: single nucleotide variant.
Coding change: c.4468G>A on transcript NM_003803.4 (MANE Select); coding-DNA position 4468, G replaced by A.
Protein change: p.Val1490Ile; replaces valine 1490 with isoleucine.
Molecular consequence: missense variant.
Genome position (GRCh38, 1-based): chr18:3,083,805, C>T on the plus strand (G>A on the coding strand, the complement: MYOM1 is on the minus strand). VCF-style: chr18-3083805-C-T. GRCh37 (hg19) VCF-style: chr18-3083803-C-T.
Other names: c.4180G>A, p.Val1394Ile (NM_019856.2); short protein forms V1490I, V1394I.
Identifiers: ClinVar variation 1438461 (VCV001438461.6), dbSNP rs749284571, ClinGen allele CA501204.
Genomic context (GRCh38, chr18:3,083,805, plus strand): 5'-AGGGAAAGAATTTCTACACAGCAAGTAAGTTCTCATTTACTTACTTGTGGGACCAGTTAA[C>T]TTTCAAATCCTCCACATAGTAAGTTACAAAAGAGTACAGTTGGATGCCCTCGGCTGTGCT-3'
Protein context (NP_003794.3, residues 1480-1500): FVTYYVEDLK[Val1490Ile]NWSHNGSAIR

ClinVar aggregate classification (germline): Uncertain significance (1 of 4 stars; one submission).

Conditions:
Hypertrophic cardiomyopathy. Also called: HYPERTROPHIC MYOCARDIOPATHY. Identifiers: Orphanet 217569, MedGen C0007194, MeSH D002312, MONDO:0005045, HP:0001639.

Allele frequency attached by ClinVar (database versions not stated): gnomAD 0.00002; gnomAD exomes 0.00003; TOPMed 0.00003; ExAC 0.00008.
gnomAD v4.1: 45 of 1,571,778 alleles (0.0029%); highest among the groups gnomAD compares: Non-Finnish European, 0.0036%; no homozygotes.

Submission:

Labcorp Genetics (formerly Invitae), Labcorp
Classification: Uncertain significance for Hypertrophic cardiomyopathy. Last evaluated: 2025-06-08. Review status: criteria provided, single submitter. Criteria: Invitae Variant Classification Sherloc (09022015). Collection method: clinical testing. Allele origin: germline.
Comment: This sequence change replaces valine, which is neutral and non-polar, with isoleucine, which is neutral and non-polar, at codon 1490 of the MYOM1 protein (p.Val1490Ile). This variant is present in population databases (rs749284571, gnomAD 0.006%). This missense change has been observed in individual(s) with hypertrophic cardiomyopathy (PMID: 21256114). It has also been observed to segregate with disease in related individuals. ClinVar contains an entry for this variant (Variation ID: 1438461). Invitae Evidence Modeling of protein sequence and biophysical properties (such as structural, functional, and spatial information, amino acid conservation, physicochemical variation, residue mobility, and thermodynamic stability) indicates that this missense variant is not expected to disrupt MYOM1 protein function with a negative predictive value of 80%. Experimental studies have shown that this missense change affects MYOM1 function (PMID: 21256114). In summary, the available evidence is currently insufficient to determine the role of this variant in disease. Therefore, it has been classified as a Variant of Uncertain Significance.

Literature cited by the submitters: PubMed 21256114.